The following is an entry in ClinVar:

ClinVar aggregate classification (germline): Conflicting classifications of pathogenicity. Review status: criteria provided, conflicting classifications (1 of 4 stars). 4 submissions from 4 submitters: Uncertain significance (3); Likely benign (1). Last evaluated 2026-06-30.

Conditions:
KIF1A-related disorder. Also called: KIF1A-related disorders; KIF1A-related condition.
Inborn genetic diseases. Identifiers: MedGen C0950123, MeSH D030342.
Intellectual disability, autosomal dominant 9 (NESCAVS). Also called: NESCAV SYNDROME; KIF1A-Related Neurodevelopmental Disorder. Identifiers: Orphanet 662367, MedGen C5393830, MONDO:0013656, OMIM 614255.
Neuropathy, hereditary sensory, type 2C. Also called: KIF1A-Related HSAN2 (HSAN2C); Hereditary sensory and autonomic neuropathy type IIC. Identifiers: Orphanet 970, MedGen C3280168, MONDO:0013634, OMIM 614213.
Hereditary spastic paraplegia 30. Identifiers: Orphanet 101010, MedGen C5235139, MONDO:0012476.

Allele frequency attached by ClinVar (database versions not stated): gnomAD 0.00001; gnomAD exomes 0.00001 and 0.00009; TOPMed 0.00003.
gnomAD v4.1: 135 of 1,612,442 alleles (0.0084%); highest among the groups gnomAD compares: Non-Finnish European, 0.011%; no homozygotes.

Submissions (4):

PreventionGenetics, part of Exact Sciences
Classification: Uncertain significance for KIF1A-related condition. Last evaluated: 2026-06-30. Review status: criteria provided, single submitter. Criteria: ACMG Guidelines, 2015. Collection method: clinical testing. Allele origin: germline.
Comment: The KIF1A c.4297G>A variant is predicted to result in the amino acid substitution p.Val1433Met. This variant has been reported in a large cohort of rare disease patients, although the specific phenotype was not specified (described as p.Val1332Met, Table S7, Stranneheim et al. 2021. PubMed ID: 33726816). This variant is reported in 0.0018% of alleles in individuals of European (non-Finnish) descent in gnomAD. At this time, the clinical significance of this variant is uncertain due to the absence of conclusive functional and genetic evidence.

Labcorp Genetics (formerly Invitae), Labcorp
Classification: Likely benign for Hereditary spastic paraplegia 30; Neuropathy, hereditary sensory, type 2C; Intellectual disability, autosomal dominant 9. Last evaluated: 2025-07-31. Review status: criteria provided, single submitter. Criteria: Invitae Variant Classification Sherloc (09022015). Collection method: clinical testing. Allele origin: germline.

GeneDx
Classification: Uncertain significance. Last evaluated: 2023-05-03. Review status: criteria provided, single submitter. Criteria: GeneDx Variant Classification Process June 2021. Collection method: clinical testing. Allele origin: germline. Affected: yes.
Comment: In silico analysis supports that this missense variant does not alter protein structure/function; Has not been previously published as pathogenic or benign to our knowledge; This variant is associated with the following publications: (PMID: 33726816)

Ambry Genetics
Classification: Uncertain significance for Inborn genetic diseases. Last evaluated: 2021-08-18. Review status: criteria provided, single submitter. Criteria: Ambry Variant Classification Scheme 2023. Collection method: clinical testing. Allele origin: germline.
Comment: The p.V1433M variant (also known as c.4297G>A), located in coding exon 40 of the KIF1A gene, results from a G to A substitution at nucleotide position 4297. The valine at codon 1433 is replaced by methionine, an amino acid with highly similar properties. This amino acid position is well conserved in available vertebrate species. In addition, this alteration is predicted to be tolerated by in silico analysis. Since supporting evidence is limited at this time, the clinical significance of this alteration remains unclear.

NM_001244008.2(KIF1A):c.4297G>A (p.Val1433Met)

Gene: KIF1A (kinesin family member 1A; minus strand). Cytogenetic location: 2q37.3.
Variant type: single nucleotide variant.
Coding change: c.4297G>A on transcript NM_001244008.2 (MANE Select); coding-DNA position 4297, G replaced by A.
Protein change: p.Val1433Met; replaces valine 1433 with methionine.
Molecular consequence: missense variant.
Genome position (GRCh38, 1-based): chr2:240,723,996, C>T on the plus strand (G>A on the coding strand, the complement: KIF1A is on the minus strand). VCF-style: chr2-240723996-C-T. GRCh37 (hg19) VCF-style: chr2-241663413-C-T.
Other names: c.4021G>A, p.Val1341Met (NM_001320705.2, NM_001379649.1); c.4048G>A, p.Val1350Met (NM_001330289.2); c.4096G>A, p.Val1366Met (NM_001330290.2, NM_001379648.1); c.4372G>A, p.Val1458Met (NM_001379631.1); c.4273G>A, p.Val1425Met (NM_001379632.1); c.4270G>A, p.Val1424Met (NM_001379633.1, NM_001379645.1); c.4123G>A, p.Val1375Met (NM_001379634.1); c.4120G>A, p.Val1374Met (NM_001379635.1, NM_001379646.1); and 7 more; short protein forms V1332M, V1433M, V1350M, V1366M, V1341M, V1331M, V1340M, V1349M.
Identifiers: ClinVar variation 245736 (VCV000245736.14), dbSNP rs879253922, ClinGen allele CA10584188.